The following is an entry in ClinVar:

ClinVar aggregate classification (germline): Pathogenic/Likely pathogenic. Review status: criteria provided, multiple submitters, no conflicts (2 of 4 stars). 3 submissions from 3 submitters: Pathogenic (2); Likely pathogenic (1). Last evaluated 2026-05-08.

Conditions:
BAP1-related tumor predisposition syndrome (TPDS1). Also called: COMMON Syndrome; TUMOR PREDISPOSITION SYNDROME 1; Tumor susceptibility linked to germline BAP1 mutations; BAP1 tumor predisposition syndrome. Identifiers: Orphanet 289539, MedGen C3280492, MONDO:0013692, OMIM 614327.

Submissions (3):

Myriad Genetics, Inc.
Classification: Pathogenic for BAP1-related tumor predisposition syndrome. Last evaluated: 2026-05-08. Review status: criteria provided, single submitter. Criteria: Myriad Autosomal Dominant, Autosomal Recessive and X-Linked Classification Criteria (2023). Collection method: clinical testing. Allele origin: unknown.
Comment: This variant is considered pathogenic. This variant creates a frameshift predicted to result in premature protein truncation.

Labcorp Genetics (formerly Invitae), Labcorp
Classification: Pathogenic for BAP1-related tumor predisposition syndrome. Last evaluated: 2023-03-26. Review status: criteria provided, single submitter. Criteria: Invitae Variant Classification Sherloc (09022015). Collection method: clinical testing. Allele origin: germline.
Comment: This sequence change creates a premature translational stop signal (p.Thr273Serfs*19) in the BAP1 gene. It is expected to result in an absent or disrupted protein product. Loss-of-function variants in BAP1 are known to be pathogenic (PMID: 21874000, 23684012). This variant is not present in population databases (gnomAD no frequency). This variant has not been reported in the literature in individuals affected with BAP1-related conditions. For these reasons, this variant has been classified as Pathogenic.

Baylor Genetics
Classification: Likely pathogenic for BAP1-related tumor predisposition syndrome. Last evaluated: 2022-08-31. Review status: criteria provided, single submitter. Criteria: ACMG Guidelines, 2015. Collection method: clinical testing. Allele origin: unknown.

Literature cited by the submitters: PubMed 21874000 (cited by Labcorp Genetics (formerly Invitae), Labcorp); PubMed 23684012 (cited by Labcorp Genetics (formerly Invitae), Labcorp).

NM_004656.4(BAP1):c.793_817dup (p.Thr273fs)

Gene: BAP1 (BRCA1 associated deubiquitinase 1; minus strand). Cytogenetic location: 3p21.1.
Variant type: Duplication.
Coding change: c.793_817dup on transcript NM_004656.4 (MANE Select); coding-DNA positions 793 to 817, 25 bases duplicated (GTAACACAGCCAGAGCTGATTCAGA).
Protein change: p.Thr273fs; shifts the reading frame from threonine 273.
Molecular consequence: frameshift variant.
Genome position (GRCh38, 1-based): chr3:52,405,879-52,405,903, TCTGAATCAGCTCTGGCTGTGTTAC duplicated on the plus strand (GTAACACAGCCAGAGCTGATTCAGA on the coding strand, the reverse complement: BAP1 is on the minus strand); duplicating any 25 consecutive bases within chr3:52,405,879-52,405,906 gives the same sequence; the c. name uses the placement nearest the transcript's 3' end. VCF-style (leftmost placement, unchanged base first): chr3-52405878-G-GTCTGAATCAGCTCTGGCTGTGTTAC. GRCh37 (hg19) VCF-style: chr3-52439894-G-GTCTGAATCAGCTCTGGCTGTGTTAC.
Other names: c.739_763dup, p.Thr255fs (NM_001410772.1); short protein forms T255fs, T273fs.
Identifiers: ClinVar variation 2679913 (VCV002679913.5), dbSNP rs2471341236, ClinGen allele CA2695197918.
Genomic context (GRCh38, chr3:52,405,878, plus strand): 5'-GGGGACTTGTTGCTGGCTGACTTGGACTCCTCAGGCAGCTGTGACTCTTGAGACTTGTGG[G>GTCTGAATCAGCTCTGGCTGTGTTAC]TCTGAATCAGCTCTGGCTGTGTTACTCTTATCAGCTAACAACAGAATCCAGGGCTCAGAG-3'